The following is an entry in ClinVar:

NM_133497.4(KCNV2):c.595T>C (p.Cys199Arg)

Gene: KCNV2 (potassium voltage-gated channel modifier subfamily V member 2; plus strand). Cytogenetic location: 9p24.2.
Variant type: single nucleotide variant.
Coding change: c.595T>C on transcript NM_133497.4 (MANE Select); coding-DNA position 595, T replaced by C.
Protein change: p.Cys199Arg; replaces cysteine 199 with arginine.
Molecular consequence: missense variant.
Genome position (GRCh38, 1-based): chr9:2,718,334, T>C. VCF-style: chr9-2718334-T-C. GRCh37 (hg19) VCF-style: chr9-2718334-T-C.
Other names: short protein forms C199R.
Identifiers: ClinVar variation 858231 (VCV000858231.9), dbSNP rs777392338, ClinGen allele CA4965521.
Genomic context (GRCh38, chr9:2,718,334, plus strand): 5'-CGCCGCTTCCTGGAGGAGCTGGGCTACTGGGGCGTGCGGCTCAAGTACACGCCACGCTGC[T>C]GCCGCATCTGCTTCGAGGAGCGGCGCGACGAGCTGAGCGAACGGCTCAAGATCCAGCACG-3'
Protein context (NP_598004.1, residues 189-209): GVRLKYTPRC[Cys199Arg]RICFEERRDE

ClinVar aggregate classification (germline): Conflicting classifications of pathogenicity. Review status: criteria provided, conflicting classifications (1 of 4 stars). 2 submissions from 2 submitters: Likely pathogenic (1); Uncertain significance (1). Last evaluated 2025-12-02.

Conditions:
KCNV2-related disorder. Also called: KCNV2-related condition.

Allele frequency attached by ClinVar (database versions not stated): TOPMed 0.00003.
gnomAD v4.1: 18 of 1,603,814 alleles (0.0011%); highest among the groups gnomAD compares: Non-Finnish European, 0.0015%; no homozygotes.

Submissions (2):

Labcorp Genetics (formerly Invitae), Labcorp
Classification: Uncertain significance. Last evaluated: 2025-12-02. Review status: criteria provided, single submitter. Criteria: Invitae Variant Classification Sherloc (09022015). Collection method: clinical testing. Allele origin: germline.
Comment: This sequence change replaces cysteine, which is neutral and slightly polar, with arginine, which is basic and polar, at codon 199 of the KCNV2 protein (p.Cys199Arg). This variant is present in population databases (rs777392338, gnomAD 0.004%). This variant has not been reported in the literature in individuals affected with KCNV2-related conditions. ClinVar contains an entry for this variant (Variation ID: 858231). Invitae Evidence Modeling of protein sequence and biophysical properties (such as structural, functional, and spatial information, amino acid conservation, physicochemical variation, residue mobility, and thermodynamic stability) has been performed for this missense variant. However, the output from this modeling did not meet the statistical confidence thresholds required to predict the impact of this variant on KCNV2 protein function. In summary, the available evidence is currently insufficient to determine the role of this variant in disease. Therefore, it has been classified as a Variant of Uncertain Significance.

Blueprint Genetics
Classification: Likely pathogenic for KCNV2-related disorders. Last evaluated: 2021-07-27. Review status: criteria provided, single submitter. Criteria: ACMG Guidelines, 2015. Collection method: clinical testing. Allele origin: germline. Affected: yes. Observed: 5 variant alleles.